The following is an entry in ClinVar:

ClinVar aggregate classification (germline): Uncertain significance (1 of 4 stars; one submission).

Conditions:
Epilepsy, familial focal, with variable foci 3 (FFEVF3). Identifiers: MedGen C4310708, MONDO:0014925, OMIM 617118.

gnomAD v4.1: 30 of 1,596,002 alleles (0.0019%); highest among the groups gnomAD compares: South Asian, 0.01%; no homozygotes.

Submission:

Labcorp Genetics (formerly Invitae), Labcorp
Classification: Uncertain significance for Epilepsy, familial focal, with variable foci 3. Last evaluated: 2024-03-04. Review status: criteria provided, single submitter. Criteria: Invitae Variant Classification Sherloc (09022015). Collection method: clinical testing. Allele origin: germline.
Comment: This sequence change replaces valine, which is neutral and non-polar, with leucine, which is neutral and non-polar, at codon 550 of the NPRL3 protein (p.Val550Leu). This variant is present in population databases (rs188724206, gnomAD 0.01%). This variant has not been reported in the literature in individuals affected with NPRL3-related conditions. ClinVar contains an entry for this variant (Variation ID: 1424227). Advanced modeling of protein sequence and biophysical properties (such as structural, functional, and spatial information, amino acid conservation, physicochemical variation, residue mobility, and thermodynamic stability) performed at Invitae indicates that this missense variant is not expected to disrupt NPRL3 protein function with a negative predictive value of 80%. In summary, the available evidence is currently insufficient to determine the role of this variant in disease. Therefore, it has been classified as a Variant of Uncertain Significance.

NM_001077350.3(NPRL3):c.1648G>C (p.Val550Leu)

Gene: NPRL3 (NPR3 like, GATOR1 complex subunit; minus strand). Cytogenetic location: 16p13.3.
Variant type: single nucleotide variant.
Coding change: c.1648G>C on transcript NM_001077350.3 (MANE Select); coding-DNA position 1648, G replaced by C.
Protein change: p.Val550Leu; replaces valine 550 with leucine.
Molecular consequence: missense variant.
Genome position (GRCh38, 1-based): chr16:86,767, C>G on the plus strand (G>C on the coding strand, the complement: NPRL3 is on the minus strand). VCF-style: chr16-86767-C-G. GRCh37 (hg19) VCF-style: chr16-136766-C-G.
Other names: c.1573G>C, p.Val525Leu (NM_001243249.2, NM_001243248.2); c.1111G>C, p.Val371Leu (NM_001039476.3); c.1414G>C, p.Val472Leu (NM_001243247.2); short protein forms V472L, V525L, V371L, V550L.
Identifiers: ClinVar variation 1424227 (VCV001424227.6), dbSNP rs188724206, ClinGen allele CA7769251.
Genomic context (GRCh38, chr16:86,767, plus strand): 5'-AGGGGAGCAGAGCCTGGAAGACGGCAATGACAGGGTCCTCGTGGGTGGTCACCACCAGCA[C>G]GCTGCGGAACTTGTCAAACAGCATGAGCAGCTGGGAGCGCCGCGTGTTCTCGTTGTACAT-3'
Protein context (NP_001070818.1, residues 540-560): LLMLFDKFRS[Val550Leu]LVVTTHEDPV